The following is an entry in ClinVar:

ClinVar aggregate classification (germline): Uncertain significance (1 of 4 stars; one submission).

gnomAD v4.1: 5 of 1,608,274 alleles (0.00031%); highest among the groups gnomAD compares: Admixed American, 0.0017%; no homozygotes.

Submission:

Labcorp Genetics (formerly Invitae), Labcorp
Classification: Uncertain significance. Last evaluated: 2025-07-25. Review status: criteria provided, single submitter. Criteria: Invitae Variant Classification Sherloc (09022015). Collection method: clinical testing. Allele origin: germline.
Comment: This sequence change affects codon 3007 of the VPS13D mRNA. It is a 'silent' change, meaning that it does not change the encoded amino acid sequence of the VPS13D protein. This variant also falls at the last nucleotide of exon 43, which is part of the consensus splice site for this exon. This variant is present in population databases (rs763111267, gnomAD 0.0009%). This variant has not been reported in the literature in individuals affected with VPS13D-related conditions. Variants that disrupt the consensus splice site are a relatively common cause of aberrant splicing (PMID: 17576681, 9536098). Algorithms developed to predict the effect of sequence changes on RNA splicing suggest that this variant may disrupt the consensus splice site. In summary, the available evidence is currently insufficient to determine the role of this variant in disease. Therefore, it has been classified as a Variant of Uncertain Significance.

Literature cited by the submitters: PubMed 17576681; PubMed 9536098.

NM_015378.4(VPS13D):c.9021G>A (p.Thr3007=)

Gene: VPS13D (vacuolar protein sorting 13 homolog D; plus strand). Cytogenetic location: 1p36.22.
Variant type: single nucleotide variant.
Coding change: c.9021G>A on transcript NM_015378.4 (MANE Select); coding-DNA position 9021, G replaced by A.
Protein change: p.Thr3007=; no amino-acid change (threonine 3007 retained).
Molecular consequence: synonymous variant.
Genome position (GRCh38, 1-based): chr1:12,345,509, G>A. VCF-style: chr1-12345509-G-A. GRCh37 (hg19) VCF-style: chr1-12405566-G-A.
Other names: c.8946G>A, p.Thr2982= (NM_018156.4).
Identifiers: ClinVar variation 4697980 (VCV004697980.1).
Genomic context (GRCh38, chr1:12,345,509, plus strand): 5'-GGACAAAGTCGGGACCTTTTTTCGATATGCAGCACCAGATAAAAATTCATCTTCCTCTAC[G>A]GTGTGTGACATTCAGGAAGTCAGATGGTTAAGCGACTGTCAGGAAGTCAGATGGTTAAGC-3'
Protein context (NP_056193.2, residues 2997-3017): AAPDKNSSSS[Thr3007=]IGSPSSRTNI